The following is an entry in ClinVar:

NM_014141.6(CNTNAP2):c.41T>C (p.Leu14Pro)

Gene: CNTNAP2 (contactin associated protein 2; plus strand). Cytogenetic location: 7q35.
Variant type: single nucleotide variant.
Coding change: c.41T>C on transcript NM_014141.6 (MANE Select); coding-DNA position 41, T replaced by C.
Protein change: p.Leu14Pro; replaces leucine 14 with proline.
Molecular consequence: missense variant.
Genome position (GRCh38, 1-based): chr7:146,116,917, T>C. VCF-style: chr7-146116917-T-C. GRCh37 (hg19) VCF-style: chr7-145814009-T-C.
Other names: short protein forms L14P.
Identifiers: ClinVar variation 945796 (VCV000945796.9), dbSNP rs1283986677, ClinGen allele CA369922052.

ClinVar aggregate classification (germline): Uncertain significance. Review status: criteria provided, multiple submitters, no conflicts (2 of 4 stars). 3 submissions from 3 submitters: Uncertain significance (3). Last evaluated 2025-01-27.

Conditions:
Inborn genetic diseases. Identifiers: MedGen C0950123, MeSH D030342.
Cortical dysplasia-focal epilepsy syndrome (PTHSL1). Also called: Pitt-Hopkins-like syndrome 1. Identifiers: Orphanet 163681, Orphanet 221150, MedGen C2750246, MONDO:0012400, OMIM 610042.

Allele frequency attached by ClinVar (database versions not stated): gnomAD exomes below 0.00001 and 0.00001; gnomAD 0.00001; TOPMed 0.00002.
gnomAD v4.1: 3 of 1,551,360 alleles (0.00019%); highest among the groups gnomAD compares: African/African-American, 0.0027%; no homozygotes.

Submissions (3):

Ambry Genetics
Classification: Uncertain significance for Inborn genetic diseases. Last evaluated: 2025-01-27. Review status: criteria provided, single submitter. Criteria: Ambry Variant Classification Scheme 2023. Collection method: clinical testing. Allele origin: germline.

Women's Health and Genetics/Laboratory Corporation of America, LabCorp
Classification: Uncertain significance. Last evaluated: 2024-05-16. Review status: criteria provided, single submitter. Criteria: LabCorp Variant Classification Summary - May 2015. Collection method: clinical testing. Allele origin: germline.
Comment: Variant summary: CNTNAP2 c.41T>C (p.Leu14Pro) results in a non-conservative amino acid change in the encoded protein sequence. Four of five in-silico tools predict a benign effect of the variant on protein function. The variant allele was found at a frequency of 1.3e-05 in 153496 control chromosomes. The available data on variant occurrences in the general population are insufficient to allow any conclusion about variant significance. To our knowledge, no occurrence of c.41T>C in individuals affected with Autism, Susceptibility To, 15 and no experimental evidence demonstrating its impact on protein function have been reported. ClinVar contains an entry for this variant (Variation ID: 945796). Based on the evidence outlined above, the variant was classified as uncertain significance.

Labcorp Genetics (formerly Invitae), Labcorp
Classification: Uncertain significance for Cortical dysplasia-focal epilepsy syndrome. Last evaluated: 2021-08-24. Review status: criteria provided, single submitter. Criteria: Invitae Variant Classification Sherloc (09022015). Collection method: clinical testing. Allele origin: germline.
Comment: This sequence change replaces leucine with proline at codon 14 of the CNTNAP2 protein (p.Leu14Pro). The leucine residue is weakly conserved and there is a moderate physicochemical difference between leucine and proline. The frequency data for this variant in the population databases is considered unreliable, as metrics indicate insufficient coverage at this position in the ExAC database. This variant has not been reported in the literature in individuals affected with CNTNAP2-related conditions. Algorithms developed to predict the effect of missense changes on protein structure and function (SIFT, PolyPhen-2, Align-GVGD) all suggest that this variant is likely to be tolerated. In summary, the available evidence is currently insufficient to determine the role of this variant in disease. Therefore, it has been classified as a Variant of Uncertain Significance.